The following is an entry in ClinVar:

NM_001130438.3(SPTAN1):c.1593C>G (p.Thr531=)

Gene: SPTAN1 (spectrin alpha, non-erythrocytic 1; plus strand). Cytogenetic location: 9q34.11.
Variant type: single nucleotide variant.
Coding change: c.1593C>G on transcript NM_001130438.3 (MANE Select); coding-DNA position 1593, C replaced by G.
Protein change: p.Thr531=; no amino-acid change (threonine 531 retained).
Molecular consequence: synonymous variant.
Genome position (GRCh38, 1-based): chr9:128,582,499, C>G. VCF-style: chr9-128582499-C-G. GRCh37 (hg19) VCF-style: chr9-131344778-C-G.
Other names: c.1593C>G, p.Thr531= (NM_001363765.2, NM_003127.4, NM_001195532.2 and 1 more transcripts).
Identifiers: ClinVar variation 379088 (VCV000379088.10), dbSNP rs1057520489, ClinGen allele CA16605512.

ClinVar aggregate classification (germline): Likely benign. Review status: criteria provided, multiple submitters, no conflicts (2 of 4 stars). 2 submissions from 2 submitters: Likely benign (2). Last evaluated 2023-10-13.

Conditions:
Early-infantile DEE. Also called: Ohtahara syndrome; Early infantile epileptic encephalopathy with suppression bursts; Early infantile epileptic encephalopathy. Identifiers: Orphanet 1934, MedGen C0393706, MONDO:0800491.

Allele frequency attached by ClinVar (database versions not stated): gnomAD 0.00001.
gnomAD v4.1: 1 of 1,613,994 alleles (0.000062%); highest among the groups gnomAD compares: African/African-American, 0.0013%; no homozygotes.

Submissions (2):

Labcorp Genetics (formerly Invitae), Labcorp
Classification: Likely benign for Early-infantile DEE. Last evaluated: 2023-10-13. Review status: criteria provided, single submitter. Criteria: Invitae Variant Classification Sherloc (09022015). Collection method: clinical testing. Allele origin: germline.

GeneDx
Classification: Likely benign. Last evaluated: 2016-03-07. Review status: criteria provided, single submitter. Criteria: GeneDx Variant Classification (06012015). Collection method: clinical testing. Allele origin: germline. Affected: yes.
Comment: This variant is considered likely benign or benign based on one or more of the following criteria: it is a conservative change, it occurs at a poorly conserved position in the protein, it is predicted to be benign by multiple in silico algorithms, and/or has population frequency not consistent with disease.